The following is an entry in ClinVar:

ClinVar aggregate classification (germline): Uncertain significance. Review status: criteria provided, multiple submitters, no conflicts (2 of 4 stars). 2 submissions from 2 submitters: Uncertain significance (2). Last evaluated 2024-02-13.

Conditions:
Cardiovascular phenotype. Identifiers: MedGen CN230736.
Catecholaminergic polymorphic ventricular tachycardia 1. Also called: VENTRICULAR TACHYCARDIA, CATECHOLAMINERGIC POLYMORPHIC, 1, WITH OR WITHOUT ATRIAL DYSFUNCTION AND/OR DILATED CARDIOMYOPATHY; VENTRICULAR TACHYCARDIA, STRESS-INDUCED POLYMORPHIC 1; RYR2-Related Catecholaminergic Polymorphic Ventricular Tachycardia. Identifiers: Orphanet 3286, MedGen C1631597, MONDO:0011484, OMIM 604772.

Allele frequency attached by ClinVar (database versions not stated): gnomAD 0.00001; gnomAD exomes 0.00001; TOPMed 0.00001.
gnomAD v4.1: 8 of 1,595,442 alleles (0.0005%); highest among the groups gnomAD compares: Middle Eastern, 0.017%; no homozygotes.

Submissions (2):

Labcorp Genetics (formerly Invitae), Labcorp
Classification: Uncertain significance for Catecholaminergic polymorphic ventricular tachycardia 1. Last evaluated: 2024-02-13. Review status: criteria provided, single submitter. Criteria: Invitae Variant Classification Sherloc (09022015). Collection method: clinical testing. Allele origin: germline.
Comment: This sequence change replaces isoleucine, which is neutral and non-polar, with threonine, which is neutral and polar, at codon 345 of the TRDN protein (p.Ile345Thr). This variant is not present in population databases (gnomAD no frequency). This variant has not been reported in the literature in individuals affected with TRDN-related conditions. ClinVar contains an entry for this variant (Variation ID: 856707). Advanced modeling of protein sequence and biophysical properties (such as structural, functional, and spatial information, amino acid conservation, physicochemical variation, residue mobility, and thermodynamic stability) performed at Invitae indicates that this missense variant is not expected to disrupt TRDN protein function with a negative predictive value of 80%. In summary, the available evidence is currently insufficient to determine the role of this variant in disease. Therefore, it has been classified as a Variant of Uncertain Significance.

Ambry Genetics
Classification: Uncertain significance for Cardiovascular phenotype. Last evaluated: 2022-10-02. Review status: criteria provided, single submitter. Criteria: Ambry Variant Classification Scheme 2023. Collection method: clinical testing. Allele origin: germline.
Comment: The p.I345T variant (also known as c.1034T>C), located in coding exon 12 of the TRDN gene, results from a T to C substitution at nucleotide position 1034. The isoleucine at codon 345 is replaced by threonine, an amino acid with similar properties. This amino acid position is conserved. In addition, this alteration is predicted to be tolerated by in silico analysis. Since supporting evidence is limited at this time, the clinical significance of this alteration remains unclear.

NM_006073.4(TRDN):c.1034T>C (p.Ile345Thr)

Gene: TRDN (triadin; minus strand). Cytogenetic location: 6q22.31.
Variant type: single nucleotide variant.
Coding change: c.1034T>C on transcript NM_006073.4 (MANE Select); coding-DNA position 1034, T replaced by C.
Protein change: p.Ile345Thr; replaces isoleucine 345 with threonine.
Molecular consequence: missense variant.
Genome position (GRCh38, 1-based): chr6:123,438,080, A>G on the plus strand (T>C on the coding strand, the complement: TRDN is on the minus strand). VCF-style: chr6-123438080-A-G. GRCh37 (hg19) VCF-style: chr6-123759225-A-G.
Other names: c.1037T>C, p.Ile346Thr (NM_001251987.2); short protein forms I345T, I346T.
Identifiers: ClinVar variation 856707 (VCV000856707.13), dbSNP rs1459890032, ClinGen allele CA365566127.